The following is an entry in ClinVar:

ClinVar aggregate classification (germline): Pathogenic (1 of 4 stars; one submission).

Conditions:
Generalized juvenile polyposis/juvenile polyposis coli. Also called: Juvenile polyposis coli. Identifiers: Orphanet 329971, MedGen C1868081, MONDO:0008276.

Submission:

Labcorp Genetics (formerly Invitae), Labcorp
Classification: Pathogenic for Juvenile polyposis syndrome. Last evaluated: 2016-10-18. Review status: criteria provided, single submitter. Criteria: Invitae Variant Classification Sherloc (09022015). Collection method: clinical testing. Allele origin: germline.
Comment: This variant is a gross deletion of the genomic region encompassing exons 10-12 of the SMAD4 gene. The 5' boundary is likely confined to intron 9. The 3' end of this event is unknown as it extends through the termination codon beyond the assayed region for this gene and may encompass additional genes. While this deletion is not anticipated to result in nonsense mediated decay, it is expected to create a truncated SMAD4 protein. While this particular deletion has not been reported in the literature, loss-of-function variants in SMAD4 are known to be pathogenic (PMID: 22810475, 16152648). This deletion is predicted to remove amino acids 381-552 of the SMAD4 protein, constituting approximately 33% of the protein. This will result in the loss of most of the mad homology 2 region (MH2, residues 323-552) of the SMAD4 protein, which is expected to interfere with the homo-oligomer formation of SMAD4 and the hetero-oligomer formation between SMAD4 and SMAD2, resulting in disruption of TGFb signaling (PMID: 9389648, 12821112), For these reasons, this variant has been classified as Pathogenic.

NC_000018.10:g.(?_51067019)_(51085042_?)del

Gene: SMAD4 (SMAD family member 4; plus strand). Cytogenetic location: 18q21.2.
Variant type: Deletion.
Identifiers: ClinVar variation 417583 (VCV000417583.1).